The following is an entry in ClinVar:

ClinVar aggregate classification (germline): Conflicting classifications of pathogenicity. Review status: criteria provided, conflicting classifications (1 of 4 stars). 6 submissions from 6 submitters: Uncertain significance (1); Likely benign (5). Last evaluated 2026-01-22.

Conditions:
Ehlers-Danlos syndrome (EDS). Identifiers: Orphanet 98249, MedGen C0013720, MONDO:0020066.
Cardiovascular phenotype. Identifiers: MedGen CN230736.

Allele frequency attached by ClinVar (database versions not stated): ExAC 0.00018; TOPMed 0.00043; gnomAD 0.00048 and 0.00049.
gnomAD v4.1: 1,084 of 1,550,168 alleles (0.07%); highest among the groups gnomAD compares: Non-Finnish European, 0.087%; 1 homozygote.

Submissions (6):

Labcorp Genetics (formerly Invitae), Labcorp
Classification: Likely benign. Last evaluated: 2026-01-22. Review status: criteria provided, single submitter. Criteria: Invitae Variant Classification Sherloc (09022015). Collection method: clinical testing. Allele origin: germline.

Mayo Clinic Laboratories, Mayo Clinic
Classification: Likely benign. Last evaluated: 2025-09-22. Review status: criteria provided, single submitter. Criteria: ACMG Guidelines, 2015. Collection method: clinical testing. Allele origin: germline. Observed: 6 variant alleles.
Comment: BS1, BP4, BP7

Women's Health and Genetics/Laboratory Corporation of America, LabCorp
Classification: Likely benign. Last evaluated: 2025-06-19. Review status: criteria provided, single submitter. Criteria: LabCorp Variant Classification Summary - May 2015. Collection method: clinical testing. Allele origin: germline.

GeneDx
Classification: Likely benign. Last evaluated: 2022-01-10. Review status: criteria provided, single submitter. Criteria: GeneDx Variant Classification Process June 2021. Collection method: clinical testing. Allele origin: germline. Affected: yes.

Ambry Genetics
Classification: Likely benign for Cardiovascular phenotype. Last evaluated: 2021-02-09. Review status: criteria provided, single submitter. Criteria: Ambry Variant Classification Scheme 2023. Collection method: clinical testing. Allele origin: germline.

Genome Diagnostics Laboratory, The Hospital for Sick Children
Classification: Uncertain significance for Ehlers-Danlos syndrome. Last evaluated: 2020-04-01. Review status: criteria provided, single submitter. Criteria: ACMG Guidelines, 2015. Collection method: clinical testing. Allele origin: germline.

NM_001367624.2(ZNF469):c.5577G>A (p.Pro1859=)

Gene: ZNF469 (zinc finger protein 469; plus strand). Cytogenetic location: 16q24.2.
Variant type: single nucleotide variant.
Coding change: c.5577G>A on transcript NM_001367624.2 (MANE Select); coding-DNA position 5577, G replaced by A.
Protein change: p.Pro1859=; no amino-acid change (proline 1859 retained).
Molecular consequence: synonymous variant.
Genome position (GRCh38, 1-based): chr16:88,433,047, G>A. VCF-style: chr16-88433047-G-A. GRCh37 (hg19) VCF-style: chr16-88499455-G-A.
Other names: NM_001127464.1:c.5493G>A; NM_001127464.2:c.5493G>A; p.Pro1859=.
Identifiers: ClinVar variation 320942 (VCV000320942.23), dbSNP rs764487066, ClinGen allele CA8225092.